The following is an entry in ClinVar:

ClinVar aggregate classification (germline): Pathogenic/Likely pathogenic. Review status: criteria provided, multiple submitters, no conflicts (2 of 4 stars). 3 submissions from 3 submitters: Pathogenic (2); Likely pathogenic (1). Last evaluated 2024-03-11.

Conditions:
Long QT syndrome (LQTS). Identifiers: MedGen C0023976, MeSH D008133, MONDO:0002442. Disease mechanism: loss of function. Inheritance: Various modes of inheritance.
Cardiovascular phenotype. Identifiers: MedGen CN230736.

Submissions (3):

GeneDx
Classification: Likely pathogenic. Last evaluated: 2024-03-11. Review status: criteria provided, single submitter. Criteria: GeneDx Variant Classification Process June 2021. Collection method: clinical testing. Allele origin: germline. Affected: yes.
Comment: Has not been previously published as pathogenic or benign to our knowledge; Not observed in large population cohorts (gnomAD); Canonical splice site variant predicted to result in an in-frame loss of the adjacent exon in a gene for which loss of function is a known mechanism of disease

Labcorp Genetics (formerly Invitae), Labcorp
Classification: Pathogenic for Long QT syndrome. Last evaluated: 2023-05-14. Review status: criteria provided, single submitter. Criteria: Invitae Variant Classification Sherloc (09022015). Collection method: clinical testing. Allele origin: germline.
Comment: For these reasons, this variant has been classified as Pathogenic. Disruption of this splice site has been observed in individuals with long QT syndrome (PMID: 26132555; Invitae). ClinVar contains an entry for this variant (Variation ID: 519204). This sequence change affects a splice site in intron 2 of the KCNH2 gene. It is expected to disrupt RNA splicing. Variants that disrupt the donor or acceptor splice site typically lead to a loss of protein function (PMID: 16199547), and loss-of-function variants in KCNH2 are known to be pathogenic (PMID: 10973849, 19862833). Information on the frequency of this variant in the gnomAD database is not available, as this variant may be reported differently in the database.

Ambry Genetics
Classification: Pathogenic for Cardiovascular phenotype. Last evaluated: 2016-05-20. Review status: criteria provided, single submitter. Criteria: Ambry Variant Classification Scheme 2023. Collection method: clinical testing. Allele origin: germline.
Comment: The c.307_307+1delGGinsTT pathogenic mutation, results from a GG to TT substitution spanning the last nucleotide of coding exon 2 to the first nucleotide after coding exon 2 of the KCNH2 gene. Since mutations that disrupt the canonical splice donor site are typically deleterious in nature, this alteration is interpreted as a disease-causing mutation (ACMG Recommendations for Standards for Interpretation and Reporting of Sequence Variations. Revision 2007. Genet Med. 2008;10:294).

Literature cited by the submitters: PubMed 26132555 (cited by Labcorp Genetics (formerly Invitae), Labcorp); PubMed 16199547 (cited by Labcorp Genetics (formerly Invitae), Labcorp); PubMed 10973849 (cited by Labcorp Genetics (formerly Invitae), Labcorp); PubMed 19862833 (cited by Labcorp Genetics (formerly Invitae), Labcorp).

NM_000238.4(KCNH2):c.307_307+1delinsTT

Gene: KCNH2 (potassium voltage-gated channel subfamily H member 2; minus strand). Cytogenetic location: 7q36.1.
Variant type: Indel.
Coding change: c.307_307+1delinsTT on transcript NM_000238.4 (MANE Select); coding-DNA position 307 through the canonical splice donor site of the intron after coding-DNA position 307, GG replaced by TT.
Molecular consequence: splice donor variant.
Genome position (GRCh38, 1-based): chr7:150,974,710-150,974,711, CC replaced by AA on the plus strand (GG replaced by TT on the coding strand, the reverse complement: KCNH2 is on the minus strand). VCF-style: chr7-150974710-CC-AA. GRCh37 (hg19) VCF-style: chr7-150671798-CC-AA.
Other names: c.307_307+1delinsTT (NM_172056.3); c.130_130+1delinsTT (NM_001406755.1); c.307_307+1delGGinsTT (NM_000238.3).
Identifiers: ClinVar variation 519204 (VCV000519204.13), dbSNP rs1554430850, ClinGen allele CA658797053.
Genomic context (GRCh38, chr7:150,974,710, plus strand): 5'-CCGTGGTCCCGCCCCTCTTGACCCCGCCCCTGGTCGTGGCCCCGCCCCGGCCCGCTCCTA[CC>AA]ATCTTTCCGGTAGAAGGCGATTTCCACTTTGCGCTCCTCGGCGCCCAGCAGTGCCTGCGC-3'